The following is an entry in ClinVar:

NM_001130438.3(SPTAN1):c.1955G>A (p.Arg652His)

Gene: SPTAN1 (spectrin alpha, non-erythrocytic 1; plus strand). Cytogenetic location: 9q34.11.
Variant type: single nucleotide variant.
Coding change: c.1955G>A on transcript NM_001130438.3 (MANE Select); coding-DNA position 1955, G replaced by A.
Protein change: p.Arg652His; replaces arginine 652 with histidine.
Molecular consequence: missense variant.
Genome position (GRCh38, 1-based): chr9:128,583,225, G>A. VCF-style: chr9-128583225-G-A. GRCh37 (hg19) VCF-style: chr9-131345504-G-A.
Other names: c.1955G>A, p.Arg652His (NM_001195532.2, NM_001363759.2, NM_001363765.2 and 1 more transcripts); short protein forms R652H.
Identifiers: ClinVar variation 382880 (VCV000382880.4), dbSNP rs370062384, ClinGen allele CA5264542.

ClinVar aggregate classification (germline): Conflicting classifications of pathogenicity. Review status: criteria provided, conflicting classifications (1 of 4 stars). 2 submissions from 2 submitters: Uncertain significance (1); Likely benign (1). Last evaluated 2024-05-27.

Conditions:
Early-infantile DEE. Also called: Ohtahara syndrome; Early infantile epileptic encephalopathy with suppression bursts; Early infantile epileptic encephalopathy. Identifiers: Orphanet 1934, MedGen C0393706, MONDO:0800491.

Allele frequency attached by ClinVar (database versions not stated): gnomAD 0.00001; TOPMed 0.00001; gnomAD exomes 0.00003; ExAC 0.00004; ESP Exome Variant Server 0.00008.
gnomAD v4.1: 38 of 1,613,906 alleles (0.0024%); highest among the groups gnomAD compares: South Asian, 0.0055%; no homozygotes.

Submissions (2):

Labcorp Genetics (formerly Invitae), Labcorp
Classification: Uncertain significance for Early-infantile DEE. Last evaluated: 2024-05-27. Review status: criteria provided, single submitter. Criteria: Invitae Variant Classification Sherloc (09022015). Collection method: clinical testing. Allele origin: germline.
Comment: This sequence change replaces arginine, which is basic and polar, with histidine, which is basic and polar, at codon 652 of the SPTAN1 protein (p.Arg652His). This variant is present in population databases (rs370062384, gnomAD 0.06%). This variant has not been reported in the literature in individuals affected with SPTAN1-related conditions. ClinVar contains an entry for this variant (Variation ID: 382880). Advanced modeling of protein sequence and biophysical properties (such as structural, functional, and spatial information, amino acid conservation, physicochemical variation, residue mobility, and thermodynamic stability) has been performed at Invitae for this missense variant, however the output from this modeling did not meet the statistical confidence thresholds required to predict the impact of this variant on SPTAN1 protein function. In summary, the available evidence is currently insufficient to determine the role of this variant in disease. Therefore, it has been classified as a Variant of Uncertain Significance.

GeneDx
Classification: Likely benign. Last evaluated: 2016-01-21. Review status: criteria provided, single submitter. Criteria: GeneDx Variant Classification (06012015). Collection method: clinical testing. Allele origin: germline. Affected: yes.
Comment: This variant is considered likely benign or benign based on one or more of the following criteria: it is a conservative change, it occurs at a poorly conserved position in the protein, it is predicted to be benign by multiple in silico algorithms, and/or has population frequency not consistent with disease.